The following is an entry in ClinVar:

NM_001039141.3(TRIOBP):c.2995G>A (p.Ala999Thr)

Gene: TRIOBP (TRIO and F-actin binding protein; plus strand). Cytogenetic location: 22q13.1.
Variant type: single nucleotide variant.
Coding change: c.2995G>A on transcript NM_001039141.3 (MANE Select); coding-DNA position 2995, G replaced by A.
Protein change: p.Ala999Thr; replaces alanine 999 with threonine.
Molecular consequence: missense variant.
Genome position (GRCh38, 1-based): chr22:37,725,551, G>A. VCF-style: chr22-37725551-G-A. GRCh37 (hg19) VCF-style: chr22-38121558-G-A.
Other names: short protein forms A999T.
Identifiers: ClinVar variation 2763132 (VCV002763132.3), dbSNP rs2518175688, ClinGen allele CA411475190.

ClinVar aggregate classification (germline): Uncertain significance (1 of 4 stars; one submission).

Submission:

Labcorp Genetics (formerly Invitae), Labcorp
Classification: Uncertain significance. Last evaluated: 2023-10-11. Review status: criteria provided, single submitter. Criteria: Invitae Variant Classification Sherloc (09022015). Collection method: clinical testing. Allele origin: germline.
Comment: This sequence change replaces alanine, which is neutral and non-polar, with threonine, which is neutral and polar, at codon 999 of the TRIOBP protein (p.Ala999Thr). This variant is not present in population databases (gnomAD no frequency). This variant has not been reported in the literature in individuals affected with TRIOBP-related conditions. Algorithms developed to predict the effect of missense changes on protein structure and function output the following: SIFT: "Not Available"; PolyPhen-2: "Benign"; Align-GVGD: "Not Available". The threonine amino acid residue is found in multiple mammalian species, which suggests that this missense change does not adversely affect protein function. In summary, the available evidence is currently insufficient to determine the role of this variant in disease. Therefore, it has been classified as a Variant of Uncertain Significance.